The following is an entry in ClinVar:

NM_007294.4(BRCA1):c.2465A>G (p.Asn822Ser)

Gene: BRCA1 (BRCA1 DNA repair associated; minus strand). Cytogenetic location: 17q21.31.
Variant type: single nucleotide variant.
Coding change: c.2465A>G on transcript NM_007294.4 (MANE Select); coding-DNA position 2465, A replaced by G.
Protein change: p.Asn822Ser; replaces asparagine 822 with serine.
Molecular consequence: missense variant. On other transcripts: intron variant (137).
Genome position (GRCh38, 1-based): chr17:43,093,066, T>C on the plus strand (A>G on the coding strand, the complement: BRCA1 is on the minus strand). VCF-style: chr17-43093066-T-C. GRCh37 (hg19) VCF-style: chr17-41245083-T-C.
Other names: c.2252A>G, p.Asn751Ser (NM_001407571.1, NM_001407853.1, NM_001407894.1 and 9 more transcripts); c.2465A>G, p.Asn822Ser (NM_001407581.1, NM_001407582.1, NM_001407583.1 and 30 more transcripts); c.2462A>G, p.Asn821Ser (NM_001407587.1, NM_001407590.1, NM_001407591.1 and 22 more transcripts); c.2456A>G, p.Asn819Ser (NM_001407646.1, NM_001407647.1); c.2342A>G, p.Asn781Ser (NM_001407648.1, NM_001407664.1, NM_001407665.1 and 19 more transcripts); c.2339A>G, p.Asn780Ser (NM_001407649.1, NM_001407670.1, NM_001407671.1 and 11 more transcripts); c.2387A>G, p.Asn796Ser (NM_001407653.1, NM_001407654.1, NM_001407655.1 and 4 more transcripts); c.2384A>G, p.Asn795Ser (NM_001407659.1, NM_001407660.1, NM_001407661.1 and 1 more transcripts); and 41 more; short protein forms N822S, N775S, N654S, N734S, N755S, N694S, N733S, N780S.
Identifiers: ClinVar variation 485385 (VCV000485385.8), dbSNP rs1555589630, ClinGen allele CA10597074.

ClinVar aggregate classification (germline): Conflicting classifications of pathogenicity. Review status: criteria provided, conflicting classifications (1 of 4 stars). 2 submissions from 2 submitters: Uncertain significance (1); Likely benign (1). Last evaluated 2023-03-23.

Conditions:
Hereditary cancer-predisposing syndrome. Also called: Neoplastic Syndromes, Hereditary; Tumor predisposition; Hereditary Cancer Syndrome; Hereditary neoplastic syndrome. Identifiers: Orphanet 140162, MedGen C0027672, MeSH D009386, MONDO:0015356.

Submissions (2):

University of Washington Department of Laboratory Medicine, University of Washington
Classification: Likely benign for Hereditary cancer-predisposing syndrome. Last evaluated: 2023-03-23. Review status: criteria provided, single submitter. Criteria: Dines et al. (Genet Med. 2020). Collection method: curation. Allele origin: germline.
Comment: Missense variant in a coldspot region where missense variants are very unlikely to be pathogenic (PMID:31911673).

BRCA1 coldspot (exon 11 using historical exon numbering). Reclassification based on statistical prior probability

Ambry Genetics
Classification: Uncertain significance for Hereditary cancer-predisposing syndrome. Last evaluated: 2016-07-25. Review status: criteria provided, single submitter. Criteria: Ambry Variant Classification Scheme 2023. Collection method: clinical testing. Allele origin: germline.
Comment: The p.N822S variant (also known as c.2465A>G), located in coding exon 9 of the BRCA1 gene, results from an A to G substitution at nucleotide position 2465. The asparagine at codon 822 is replaced by serine, an amino acid with highly similar properties. This variant was not reported in population based cohorts in the following databases: Database of Single Nucleotide Polymorphisms (dbSNP), NHLBI Exome Sequencing Project (ESP), and 1000 Genomes Project. In the ESP, this variant was not observed in 6503 samples (13006 alleles) with coverage at this position. To date, this alteration has been detected with an allele frequency of approximately 0.0003% (greater than 300000 alleles tested) in our clinical cohort. This amino acid position is poorly conserved in available vertebrate species. In addition, this alteration is predicted to be tolerated by in silico analysis. Since supporting evidence is limited at this time, the clinical significance of this alteration remains unclear.